The following is an entry in ClinVar:

NM_000426.4(LAMA2):c.396+3A>G

Gene: LAMA2 (laminin subunit alpha 2; plus strand). Cytogenetic location: 6q22.33.
Variant type: single nucleotide variant.
Coding change: c.396+3A>G on transcript NM_000426.4 (MANE Select); 3 bases into the intron after coding-DNA position 396, A replaced by G.
Molecular consequence: intron variant.
Genome position (GRCh38, 1-based): chr6:129,059,899, A>G. VCF-style: chr6-129059899-A-G. GRCh37 (hg19) VCF-style: chr6-129381044-A-G.
Other names: c.396+3A>G (NM_001079823.2).
Identifiers: ClinVar variation 907772 (VCV000907772.7), dbSNP rs775798908, ClinGen allele CA3992310.
Genomic context (GRCh38, chr6:129,059,899, plus strand): 5'-CAGTATTAAGAATGGAATCGAATACCATTATGTGACAATTACCCTGGATTTACAGCAGGT[A>G]TAGTTCCTCTTTTTTTGTCATTTCCACTTTTGAAATTGCATTTTACATTTGCTATTTGTT-3'

ClinVar aggregate classification (germline): Uncertain significance. Review status: criteria provided, multiple submitters, no conflicts (2 of 4 stars). 2 submissions from 2 submitters: Uncertain significance (2). Last evaluated 2024-12-09.

Conditions:
LAMA2-related muscular dystrophy (LAMA2-RD). Also called: Laminin alpha 2-related dystrophy. Identifiers: MedGen C5679788, MONDO:0100228.
Congenital muscular dystrophy due to partial LAMA2 deficiency. Identifiers: MedGen C1842898.

Allele frequency attached by ClinVar (database versions not stated): gnomAD exomes below 0.00001 and 0.00001; TOPMed below 0.00001; ExAC 0.00001.
gnomAD v4.1: 2 of 1,457,046 alleles (0.00014%); highest among the groups gnomAD compares: East Asian, 0.0023%; no homozygotes.

Submissions (2):

Labcorp Genetics (formerly Invitae), Labcorp
Classification: Uncertain significance for LAMA2-related muscular dystrophy. Last evaluated: 2024-12-09. Review status: criteria provided, single submitter. Criteria: Invitae Variant Classification Sherloc (09022015). Collection method: clinical testing. Allele origin: germline.
Comment: This sequence change falls in intron 3 of the LAMA2 gene. It does not directly change the encoded amino acid sequence of the LAMA2 protein. It affects a nucleotide within the consensus splice site. This variant is present in population databases (rs775798908, gnomAD 0.006%). This variant has not been reported in the literature in individuals affected with LAMA2-related conditions. ClinVar contains an entry for this variant (Variation ID: 907772). Variants that disrupt the consensus splice site are a relatively common cause of aberrant splicing (PMID: 17576681, 9536098). Algorithms developed to predict the effect of sequence changes on RNA splicing suggest that this variant may disrupt the consensus splice site. In summary, the available evidence is currently insufficient to determine the role of this variant in disease. Therefore, it has been classified as a Variant of Uncertain Significance.

Illumina Laboratory Services, Illumina
Classification: Uncertain significance for Congenital muscular dystrophy due to partial LAMA2 deficiency. Last evaluated: 2018-01-12. Review status: criteria provided, single submitter. Criteria: ICSL Variant Classification Criteria 13 December 2019. Collection method: clinical testing. Allele origin: germline.

Literature cited by the submitters: PubMed 17576681 (cited by Labcorp Genetics (formerly Invitae), Labcorp); PubMed 9536098 (cited by Labcorp Genetics (formerly Invitae), Labcorp).